The following is an entry in ClinVar:

ClinVar aggregate classification (germline): Uncertain significance. Review status: criteria provided, multiple submitters, no conflicts (2 of 4 stars). 2 submissions from 2 submitters: Uncertain significance (2). Last evaluated 2024-12-01.

Conditions:
Mullerian aplasia and hyperandrogenism. Also called: MULLERIAN DUCT FAILURE AND HYPERANDROGENISM. Identifiers: Orphanet 247768, MedGen C2675014, MONDO:0008019, OMIM 158330.

Submissions (2):

Dasa
Classification: Uncertain significance. Last evaluated: 2024-12-01. Review status: criteria provided, single submitter. Criteria: DASA Assertion Criteria. Collection method: clinical testing. Allele origin: germline.
Comment: NM_030761.5(WNT4):c.571_573del (p.Asn191del) is an in-frame deletion predicted to remove asparagine at protein position 191 without shifting the reading frame. This variant is rare in population databases. The currently available literature and clinical evidence are not sufficient to establish a definitive association between this variant and the reported condition. Therefore, this variant is classified as a variant of uncertain significance.

Genomic Medicine Center of Excellence, King Faisal Specialist Hospital and Research Centre
Classification: Uncertain significance for Mullerian aplasia and hyperandrogenism. Last evaluated: 2024-09-22. Review status: criteria provided, single submitter. Criteria: ACMG Guidelines, 2015. Collection method: clinical testing. Allele origin: germline.

NM_030761.5(WNT4):c.571_573del (p.Asn191del)

Gene: WNT4 (Wnt family member 4; minus strand). Cytogenetic location: 1p36.12.
Variant type: Deletion.
Coding change: c.571_573del on transcript NM_030761.5 (MANE Select); coding-DNA positions 571 to 573, 3 bases deleted (AAT; older notation c.571_573delAAT).
Protein change: p.Asn191del; deletes asparagine 191.
Genome position (GRCh38, 1-based): chr1:22,121,226-22,121,228, ATT deleted on the plus strand (AAT on the coding strand, the reverse complement: WNT4 is on the minus strand). VCF-style (leftmost placement, unchanged base first): chr1-22121225-CATT-C. GRCh37 (hg19) VCF-style: chr1-22447718-CATT-C.
Other names: short protein forms N191del.
Identifiers: ClinVar variation 3362761 (VCV003362761.3).